The following is an entry in ClinVar:

NM_006412.4(AGPAT2):c.377dup (p.Pro128fs)

Gene: AGPAT2 (1-acylglycerol-3-phosphate O-acyltransferase 2; minus strand). Cytogenetic location: 9q34.3.
Variant type: Duplication.
Coding change: c.377dup on transcript NM_006412.4 (MANE Select); coding-DNA position 377, one base duplicated (T; older notation c.377dupT).
Protein change: p.Pro128fs; shifts the reading frame from proline 128.
Molecular consequence: frameshift variant.
Genome position (GRCh38, 1-based): chr9:136,677,076, A duplicated on the plus strand (T on the coding strand, the reverse complement: AGPAT2 is on the minus strand). VCF-style (leftmost placement, unchanged base first): chr9-136677075-C-CA. GRCh37 (hg19) VCF-style: chr9-139571527-C-CA.
Other names: c.377dup, p.Pro128fs (NM_001012727.2); short protein forms P128fs.
Identifiers: ClinVar variation 6626 (VCV000006626.6), dbSNP rs387906355, ClinGen allele CA277945.

ClinVar aggregate classification (germline): Pathogenic/Likely pathogenic. Review status: criteria provided, multiple submitters, no conflicts (2 of 4 stars). 4 submissions from 4 submitters: Pathogenic (2); Likely pathogenic (1). 1 of the submissions does not count toward it. Last evaluated 2024-08-27.

Conditions:
Congenital generalized lipodystrophy type 1 (CGL1). Also called: BRUNZELL SYNDROME, AGPAT2-RELATED; Berardinelli-Seip Congenital Lipodystrophy Type 1. Identifiers: Orphanet 528, Orphanet 696189, MedGen C1720862, MONDO:0012071, OMIM 608594.

Allele frequency attached by ClinVar (database versions not stated): gnomAD 0.00007 and 0.00008; ExAC 0.00001; TOPMed 0.00005; gnomAD exomes 0.00001.

Submissions (4):

GeneDx
Classification: Likely pathogenic. Last evaluated: 2024-08-27. Review status: criteria provided, single submitter. Criteria: GeneDx Variant Classification Process June 2021. Collection method: clinical testing. Allele origin: germline. Affected: yes.
Comment: Frameshift variant predicted to result in protein truncation or nonsense mediated decay in a gene for which loss of function is a known mechanism of disease; This variant is associated with the following publications: (PMID: 11967537)

Mendelics
Classification: Pathogenic for Congenital generalized lipodystrophy type 1. Last evaluated: 2022-05-04. Review status: criteria provided, single submitter. Criteria: Mendelics Assertion Criteria 2019. Collection method: clinical testing. Allele origin: germline.

Fulgent Genetics
Classification: Pathogenic for Congenital generalized lipodystrophy type 1. Last evaluated: 2022-04-08. Review status: criteria provided, single submitter. Criteria: ACMG Guidelines, 2015. Collection method: clinical testing. Allele origin: unknown.

OMIM
Classification: Pathogenic for LIPODYSTROPHY, CONGENITAL GENERALIZED, TYPE 1. Last evaluated: 2002-05-01. Review status: no assertion criteria provided. Collection method: literature only. Allele origin: germline. Not counted in ClinVar's aggregate classification.

Literature cited by the submitters: PubMed 11967537 (cited by OMIM).